The following is an entry in ClinVar:

NM_025179.4(PLXNA2):c.4127G>A (p.Arg1376His)

Gene: PLXNA2 (plexin A2; minus strand). Cytogenetic location: 1q32.2.
Variant type: single nucleotide variant.
Coding change: c.4127G>A on transcript NM_025179.4 (MANE Select); coding-DNA position 4127, G replaced by A.
Protein change: p.Arg1376His; replaces arginine 1376 with histidine.
Molecular consequence: missense variant.
Genome position (GRCh38, 1-based): chr1:208,042,257, C>T on the plus strand (G>A on the coding strand, the complement: PLXNA2 is on the minus strand). VCF-style: chr1-208042257-C-T. GRCh37 (hg19) VCF-style: chr1-208215602-C-T.
Other names: short protein forms R1376H.
Identifiers: ClinVar variation 3354375 (VCV003354375.3).

ClinVar aggregate classification (germline): Uncertain significance. Review status: criteria provided, single submitter (1 of 4 stars). 2 submissions from 2 submitters: Uncertain significance (1). 1 of the submissions does not count toward it. Last evaluated 2024-05-01.

Conditions:
PLXNA2-related disorder. Also called: PLXNA2-related condition.

gnomAD v4.1: 27 of 1,614,082 alleles (0.0017%); highest among the groups gnomAD compares: Middle Eastern, 0.016%; no homozygotes.

Submissions (2):

Labcorp Genetics (formerly Invitae), Labcorp
Classification: Uncertain significance. Last evaluated: 2024-05-01. Review status: criteria provided, single submitter. Criteria: Invitae Variant Classification Sherloc (09022015). Collection method: clinical testing. Allele origin: germline.
Comment: This sequence change replaces arginine, which is basic and polar, with histidine, which is basic and polar, at codon 1376 of the PLXNA2 protein (p.Arg1376His). This variant is present in population databases (no rsID available, gnomAD 0.01%). This variant has not been reported in the literature in individuals affected with PLXNA2-related conditions. Advanced modeling of protein sequence and biophysical properties (such as structural, functional, and spatial information, amino acid conservation, physicochemical variation, residue mobility, and thermodynamic stability) has been performed at Invitae for this missense variant, however the output from this modeling did not meet the statistical confidence thresholds required to predict the impact of this variant on PLXNA2 protein function. In summary, the available evidence is currently insufficient to determine the role of this variant in disease. Therefore, it has been classified as a Variant of Uncertain Significance.

PreventionGenetics, part of Exact Sciences
Classification: Uncertain significance for PLXNA2-related condition. Last evaluated: 2024-07-26. Review status: no assertion criteria provided. Collection method: clinical testing. Allele origin: germline. Not counted in ClinVar's aggregate classification.
Comment: The PLXNA2 c.4127G>A variant is predicted to result in the amino acid substitution p.Arg1376His. To our knowledge, this variant has not been reported in the literature. This variant is reported in 0.012% of alleles in individuals of African descent in gnomAD. At this time, the clinical significance of this variant is uncertain due to the absence of conclusive functional and genetic evidence.